The following is an entry in ClinVar:

ClinVar aggregate classification (germline): Uncertain significance. Review status: criteria provided, multiple submitters, no conflicts (2 of 4 stars). 2 submissions from 2 submitters: Uncertain significance (2). Last evaluated 2025-04-18.

Conditions:
Hereditary cancer-predisposing syndrome. Also called: Neoplastic Syndromes, Hereditary; Hereditary Cancer Syndrome; Hereditary neoplastic syndrome; Tumor predisposition. Identifiers: Orphanet 140162, MedGen C0027672, MeSH D009386, MONDO:0015356.
Neuroblastoma, susceptibility to, 3. Also called: ALK-Related Neuroblastic Tumor Susceptibility. Identifiers: Orphanet 635, MedGen C2751681, MONDO:0013083, OMIM 613014.

Submissions (2):

Ambry Genetics
Classification: Uncertain significance for Hereditary cancer-predisposing syndrome. Last evaluated: 2025-04-18. Review status: criteria provided, single submitter. Criteria: Ambry Variant Classification Scheme 2023. Collection method: clinical testing. Allele origin: germline.
Comment: The p.P97T variant (also known as c.289C>A), located in coding exon 1 of the ALK gene, results from a C to A substitution at nucleotide position 289. The proline at codon 97 is replaced by threonine, an amino acid with highly similar properties. This amino acid position is conserved. In addition, the in silico prediction for this alteration is inconclusive. Based on the available evidence, the clinical significance of this variant remains unclear.

Labcorp Genetics (formerly Invitae), Labcorp
Classification: Uncertain significance for Neuroblastoma, susceptibility to, 3. Last evaluated: 2024-11-09. Review status: criteria provided, single submitter. Criteria: Invitae Variant Classification Sherloc (09022015). Collection method: clinical testing. Allele origin: germline.
Comment: This sequence change replaces proline, which is neutral and non-polar, with threonine, which is neutral and polar, at codon 97 of the ALK protein (p.Pro97Thr). This variant is not present in population databases (gnomAD no frequency). This variant has not been reported in the literature in individuals affected with ALK-related conditions. An algorithm developed to predict the effect of missense changes on protein structure and function (PolyPhen-2) suggests that this variant is likely to be tolerated. In summary, the available evidence is currently insufficient to determine the role of this variant in disease. Therefore, it has been classified as a Variant of Uncertain Significance.

NM_004304.5(ALK):c.289C>A (p.Pro97Thr)

Gene: ALK (ALK receptor tyrosine kinase; minus strand). Cytogenetic location: 2p23.1.
Variant type: single nucleotide variant.
Coding change: c.289C>A on transcript NM_004304.5 (MANE Select); coding-DNA position 289, C replaced by A.
Protein change: p.Pro97Thr; replaces proline 97 with threonine.
Molecular consequence: missense variant.
Genome position (GRCh38, 1-based): chr2:29,920,371, G>T on the plus strand (C>A on the coding strand, the complement: ALK is on the minus strand). VCF-style: chr2-29920371-G-T. GRCh37 (hg19) VCF-style: chr2-30143237-G-T.
Other names: c.289C>A (NM_004304.4); short protein forms P97T.
Identifiers: ClinVar variation 3723850 (VCV003723850.3).